The following is an entry in ClinVar:

NM_005159.5(ACTC1):c.322A>C (p.Thr108Pro)

Genes: ACTC1 (actin alpha cardiac muscle 1; minus strand), GJD2-DT (GJD2 divergent transcript; plus strand). Cytogenetic location: 15q14.
Variant type: single nucleotide variant.
Coding change: c.322A>C on transcript NM_005159.5 (MANE Select); coding-DNA position 322, A replaced by C.
Protein change: p.Thr108Pro; replaces threonine 108 with proline.
Molecular consequence: missense variant. On other transcripts: 5 prime UTR variant (1).
Genome position (GRCh38, 1-based): chr15:34,793,377, T>G on the plus strand (A>C on the coding strand, the complement: ACTC1 is on the minus strand). VCF-style: chr15-34793377-T-G. GRCh37 (hg19) VCF-style: chr15-35085578-T-G.
Other names: c.322A>C, p.Thr108Pro (NM_001406482.1, NM_001406483.1); c.187A>C, p.Thr63Pro (NM_001406484.1); c.-67A>C (NM_001406485.1); short protein forms T108P, T63P.
Identifiers: ClinVar variation 3383773 (VCV003383773.1).
Genomic context (GRCh38, chr15:34,793,377, plus strand): 5'-TCTCAAACATGATCTGAGTCATCTTCTCCCGGTTGGCCTTGGGGTTCAGCGGGGCCTCTG[T>G]GAGCAGGGTGGGGTGCTCCTCGGGAGCCACACGGAGCTCATTGTAGAAGGTGTGGTGCCA-3'
Protein context (NP_005150.1, residues 98-118): VAPEEHPTLL[Thr108Pro]EAPLNPKANR

ClinVar aggregate classification (germline): Uncertain significance (1 of 4 stars; one submission).

Submission:

GeneDx
Classification: Uncertain significance. Last evaluated: 2024-05-28. Review status: criteria provided, single submitter. Criteria: GeneDx Variant Classification Process June 2021. Collection method: clinical testing. Allele origin: germline. Affected: yes.
Comment: Not observed at significant frequency in large population cohorts (gnomAD); In silico analysis supports that this missense variant has a deleterious effect on protein structure/function; Has not been previously published as pathogenic or benign to our knowledge